The following is an entry in ClinVar:

ClinVar aggregate classification (germline): Uncertain significance. Review status: criteria provided, multiple submitters, no conflicts (2 of 4 stars). 2 submissions from 2 submitters: Uncertain significance (2). Last evaluated 2023-09-10.

Conditions:
Hypertrophic cardiomyopathy 14. Identifiers: MedGen C2750467, MONDO:0013197, OMIM 613251.
Cardiovascular phenotype. Identifiers: MedGen CN230736.

Allele frequency attached by ClinVar (database versions not stated): gnomAD exomes below 0.00001 and 0.00002; ExAC 0.00001; gnomAD 0.00001 and 0.00002; TOPMed 0.00001.
gnomAD v4.1: 8 of 1,531,406 alleles (0.00052%); highest among the groups gnomAD compares: East Asian, 0.0082%; no homozygotes.

Submissions (2):

Labcorp Genetics (formerly Invitae), Labcorp
Classification: Uncertain significance for Hypertrophic cardiomyopathy 14. Last evaluated: 2023-09-10. Review status: criteria provided, single submitter. Criteria: Invitae Variant Classification Sherloc (09022015). Collection method: clinical testing. Allele origin: germline.
Comment: In summary, the available evidence is currently insufficient to determine the role of this variant in disease. Therefore, it has been classified as a Variant of Uncertain Significance. Advanced modeling of protein sequence and biophysical properties (such as structural, functional, and spatial information, amino acid conservation, physicochemical variation, residue mobility, and thermodynamic stability) performed at Invitae indicates that this missense variant is expected to disrupt MYH6 protein function. ClinVar contains an entry for this variant (Variation ID: 640902). This variant has not been reported in the literature in individuals affected with MYH6-related conditions. The frequency data for this variant in the population databases is considered unreliable, as metrics indicate poor data quality at this position in the gnomAD database. This sequence change replaces histidine, which is basic and polar, with arginine, which is basic and polar, at codon 1333 of the MYH6 protein (p.His1333Arg).

Ambry Genetics
Classification: Uncertain significance for Cardiovascular phenotype. Last evaluated: 2021-06-22. Review status: criteria provided, single submitter. Criteria: Ambry Variant Classification Scheme 2023. Collection method: clinical testing. Allele origin: germline.
Comment: The p.H1333R variant (also known as c.3998A>G), located in coding exon 27 of the MYH6 gene, results from an A to G substitution at nucleotide position 3998. The histidine at codon 1333 is replaced by arginine, an amino acid with highly similar properties. This amino acid position is highly conserved in available vertebrate species. In addition, this alteration is predicted to be deleterious by in silico analysis. Since supporting evidence is limited at this time, the clinical significance of this alteration remains unclear.

NM_002471.4(MYH6):c.3998A>G (p.His1333Arg)

Gene: MYH6 (myosin heavy chain 6; minus strand). Cytogenetic location: 14q11.2.
Variant type: single nucleotide variant.
Coding change: c.3998A>G on transcript NM_002471.4 (MANE Select); coding-DNA position 3998, A replaced by G.
Protein change: p.His1333Arg; replaces histidine 1333 with arginine.
Molecular consequence: missense variant.
Genome position (GRCh38, 1-based): chr14:23,389,036, T>C on the plus strand (A>G on the coding strand, the complement: MYH6 is on the minus strand). VCF-style: chr14-23389036-T-C. GRCh37 (hg19) VCF-style: chr14-23858245-T-C.
Other names: short protein forms H1333R.
Identifiers: ClinVar variation 640902 (VCV000640902.10), dbSNP rs752258570, ClinGen allele CA7114955.